The following is an entry in ClinVar:

ClinVar aggregate classification (germline): Uncertain significance. Review status: criteria provided, multiple submitters, no conflicts (2 of 4 stars). 2 submissions from 2 submitters: Uncertain significance (2). Last evaluated 2025-08-23.

Allele frequency attached by ClinVar (database versions not stated): gnomAD exomes 0.00025 and 0.00017; ExAC 0.00014; gnomAD 0.00022 and 0.00023; TOPMed 0.00022; ESP Exome Variant Server 0.00023.
gnomAD v4.1: 391 of 1,613,964 alleles (0.024%); highest among the groups gnomAD compares: Non-Finnish European, 0.029%; 1 homozygote.

Submissions (2):

Labcorp Genetics (formerly Invitae), Labcorp
Classification: Uncertain significance. Last evaluated: 2025-08-23. Review status: criteria provided, single submitter. Criteria: Invitae Variant Classification Sherloc (09022015). Collection method: clinical testing. Allele origin: germline.
Comment: This sequence change affects codon 908 of the DGKZ mRNA. It is a 'silent' change, meaning that it does not change the encoded amino acid sequence of the DGKZ protein. It affects a nucleotide within the consensus splice site. This variant is present in population databases (rs146211585, gnomAD 0.03%). This variant has not been reported in the literature in individuals affected with DGKZ-related conditions. ClinVar contains an entry for this variant (Variation ID: 1389773). Algorithms developed to predict the effect of sequence changes on RNA splicing suggest that this variant is not likely to affect RNA splicing. In summary, the available evidence is currently insufficient to determine the role of this variant in disease. Therefore, it has been classified as a Variant of Uncertain Significance.

Breakthrough Genomics
Classification: Uncertain significance. Review status: criteria provided, single submitter. Criteria: ACMG Guidelines, 2015. Collection method: not provided. Allele origin: germline. Inheritance: Unknown mechanism. Affected: yes.

NM_001199267.2(DGKZ):c.2157C>T (p.Asp719=)

Gene: DGKZ (diacylglycerol kinase zeta; plus strand). Cytogenetic location: 11p11.2.
Variant type: single nucleotide variant.
Coding change: c.2157C>T on transcript NM_001199267.2 (MANE Select); coding-DNA position 2157, C replaced by T.
Protein change: p.Asp719=; no amino-acid change (aspartic acid 719 retained).
Molecular consequence: synonymous variant.
Genome position (GRCh38, 1-based): chr11:46,376,396, C>T. VCF-style: chr11-46376396-C-T. GRCh37 (hg19) VCF-style: chr11-46397946-C-T.
Other names: c.2724C>T, p.Asp908= (NM_001105540.2); c.2160C>T, p.Asp720= (NM_001199266.2, NM_003646.4); c.2091C>T, p.Asp697= (NM_001199268.2); c.2208C>T, p.Asp736= (NM_201532.3); c.2172C>T, p.Asp724= (NM_201533.3).
Identifiers: ClinVar variation 1389773 (VCV001389773.7), dbSNP rs146211585, ClinGen allele CA5963079.